The following is an entry in ClinVar:

ClinVar aggregate classification (germline): Uncertain significance (1 of 4 stars; one submission).

Conditions:
Generalized epilepsy-paroxysmal dyskinesia syndrome (PNKD3). Also called: Paroxysmal nonkinesigenic dyskinesia, 3, with or without generalized epilepsy; Generalized epilepsy and paroxysmal dyskinesia. Identifiers: Orphanet 79137, MedGen C5574945, MONDO:0012276, OMIM 609446.

Submission:

Labcorp Genetics (formerly Invitae), Labcorp
Classification: Uncertain significance for Generalized epilepsy-paroxysmal dyskinesia syndrome. Last evaluated: 2022-01-02. Review status: criteria provided, single submitter. Criteria: Invitae Variant Classification Sherloc (09022015). Collection method: clinical testing. Allele origin: germline.
Comment: In summary, the available evidence is currently insufficient to determine the role of this variant in disease. Therefore, it has been classified as a Variant of Uncertain Significance. Algorithms developed to predict the effect of missense changes on protein structure and function are either unavailable or do not agree on the potential impact of this missense change (SIFT: "Tolerated"; PolyPhen-2: "Possibly Damaging"; Align-GVGD: "Class C0"). This variant has not been reported in the literature in individuals affected with KCNMA1-related conditions. This variant is not present in population databases (gnomAD no frequency). This sequence change replaces methionine, which is neutral and non-polar, with isoleucine, which is neutral and non-polar, at codon 169 of the KCNMA1 protein (p.Met169Ile).

NM_001161352.2(KCNMA1):c.507G>T (p.Met169Ile)

Gene: KCNMA1 (potassium calcium-activated channel subfamily M alpha 1; minus strand). Cytogenetic location: 10q22.3.
Variant type: single nucleotide variant.
Coding change: c.507G>T on transcript NM_001161352.2 (MANE Select); coding-DNA position 507, G replaced by T.
Protein change: p.Met169Ile; replaces methionine 169 with isoleucine.
Molecular consequence: missense variant. On other transcripts: intron variant (1).
Genome position (GRCh38, 1-based): chr10:77,403,895, C>A on the plus strand (G>T on the coding strand, the complement: KCNMA1 is on the minus strand). VCF-style: chr10-77403895-C-A. GRCh37 (hg19) VCF-style: chr10-79163653-C-A.
Other names: c.507G>T, p.Met169Ile (NM_001014797.3, NM_001161353.2, NM_001271519.2 and 8 more transcripts); c.379-152639G>T (NM_001271518.2); short protein forms M169I.
Identifiers: ClinVar variation 2058499 (VCV002058499.4), dbSNP rs2552212654, ClinGen allele CA377410986.